The following is an entry in ClinVar:

ClinVar aggregate classification (germline): Likely pathogenic (1 of 4 stars; one submission).

Conditions:
Amelocerebrohypohidrotic syndrome (KTZS). Also called: EPILEPSY AND YELLOW TEETH; EPILEPSY, DEMENTIA, AND AMELOGENESIS IMPERFECTA; KOHLSCHUTTER SYNDROME; Kohlschutter's syndrome. Identifiers: Orphanet 1946, MedGen C0406740, MONDO:0009185, OMIM 226750.

Submission:

Institute of Human Genetics, University of Leipzig Medical Center
Classification: Likely pathogenic for Amelocerebrohypohidrotic syndrome. Last evaluated: 2025-08-06. Review status: criteria provided, single submitter. Criteria: ACMG Guidelines, 2015. Collection method: clinical testing. Allele origin: inherited. Inheritance: Autosomal recessive inheritance. Affected: yes.
Comment: Criteria applied: PVS1_STR,PM2,PM3_SUP

NM_024589.3(ROGDI):c.532-1G>C

Gene: ROGDI (rogdi atypical leucine zipper; minus strand). Cytogenetic location: 16p13.3.
Variant type: single nucleotide variant.
Coding change: c.532-1G>C on transcript NM_024589.3 (MANE Select); the canonical splice acceptor site of the intron before coding-DNA position 532, G replaced by C.
Molecular consequence: splice acceptor variant.
Genome position (GRCh38, 1-based): chr16:4,798,185, C>G on the plus strand (G>C on the coding strand, the complement: ROGDI is on the minus strand). VCF-style: chr16-4798185-C-G. GRCh37 (hg19) VCF-style: chr16-4848186-C-G.
Identifiers: ClinVar variation 4279005 (VCV004279005.2).